The following is an entry in ClinVar:

ClinVar aggregate classification (germline): Uncertain significance (1 of 4 stars; one submission).

Conditions:
Inborn genetic diseases. Identifiers: MedGen C0950123, MeSH D030342.

Submission:

Ambry Genetics
Classification: Uncertain significance for Inborn genetic diseases. Last evaluated: 2024-12-12. Review status: criteria provided, single submitter. Criteria: Ambry Variant Classification Scheme 2023. Collection method: clinical testing. Allele origin: germline.
Comment: The p.N272I variant (also known as c.815A>T), located in coding exon 8 of the ANKRD26 gene, results from an A to T substitution at nucleotide position 815. The asparagine at codon 272 is replaced by isoleucine, an amino acid with dissimilar properties. This amino acid position is conserved. In addition, this alteration is predicted to be tolerated by in silico analysis. Based on the available evidence, the clinical significance of this variant remains unclear.

NM_014915.3(ANKRD26):c.815A>T (p.Asn272Ile)

Gene: ANKRD26 (ankyrin repeat domain containing 26; minus strand). Cytogenetic location: 10p12.1.
Variant type: single nucleotide variant.
Coding change: c.815A>T on transcript NM_014915.3 (MANE Select); coding-DNA position 815, A replaced by T.
Protein change: p.Asn272Ile; replaces asparagine 272 with isoleucine.
Molecular consequence: missense variant.
Genome position (GRCh38, 1-based): chr10:27,077,692, T>A on the plus strand (A>T on the coding strand, the complement: ANKRD26 is on the minus strand). VCF-style: chr10-27077692-T-A. GRCh37 (hg19) VCF-style: chr10-27366621-T-A.
Other names: c.815A>T, p.Asn272Ile (NM_001256053.2); short protein forms N272I.
Identifiers: ClinVar variation 3869233 (VCV003869233.1).